The following is an entry in ClinVar:

ClinVar aggregate classification (germline): Uncertain significance (1 of 4 stars; one submission).

Conditions:
Wilms tumor 1 (WT1). Also called: Wilms tumor, somatic. Identifiers: Orphanet 654, MedGen CN033288, MONDO:0008679, OMIM 194070.
11p partial monosomy syndrome (WAGR). Also called: WAGR Spectrum Disorder; CHROMOSOME 11p13 DELETION SYNDROME; WAGR syndrome; WAGR Complex. Identifiers: Orphanet 893, MedGen C0206115, MONDO:0008681, OMIM 194072.
Drash syndrome (DDS). Also called: WILMS TUMOR AND PSEUDO- OR TRUE HERMAPHRODITISM; NEPHROPATHY, WILMS TUMOR, AND GENITAL ANOMALIES. Identifiers: Orphanet 220, MedGen C0950121, MONDO:0008682, OMIM 194080.
Frasier syndrome. Identifiers: Orphanet 347, MedGen C0950122, MeSH D052159, MONDO:0007635, OMIM 136680.

Submission:

Labcorp Genetics (formerly Invitae), Labcorp
Classification: Uncertain significance for Wilms tumor 1; Drash syndrome; 11p partial monosomy syndrome; Frasier syndrome. Last evaluated: 2019-09-23. Review status: criteria provided, single submitter. Criteria: Invitae Variant Classification Sherloc (09022015). Collection method: clinical testing. Allele origin: germline.
Comment: In summary, the available evidence is currently insufficient to determine the role of this variant in disease. Therefore, it has been classified as a Variant of Uncertain Significance. Algorithms developed to predict the effect of missense changes on protein structure and function are either unavailable or do not agree on the potential impact of this missense change (SIFT: "Deleterious"; PolyPhen-2: "Benign"; Align-GVGD: "Class C0"). This variant has not been reported in the literature in individuals with WT1-related conditions. This variant is not present in population databases (ExAC no frequency). This sequence change replaces aspartic acid with asparagine at codon 248 of the WT1 protein (p.Asp248Asn). The aspartic acid residue is highly conserved and there is a small physicochemical difference between aspartic acid and asparagine.

NM_024426.6(WT1):c.757G>A (p.Asp253Asn)

Gene: WT1 (WT1 transcription factor; minus strand). Cytogenetic location: 11p13.
Variant type: single nucleotide variant.
Coding change: c.757G>A on transcript NM_024426.6 (MANE Select); coding-DNA position 757, G replaced by A.
Protein change: p.Asp253Asn; replaces aspartic acid 253 with asparagine.
Molecular consequence: missense variant. On other transcripts: non-coding transcript variant (1).
Genome position (GRCh38, 1-based): chr11:32,428,524, C>T on the plus strand (G>A on the coding strand, the complement: WT1 is on the minus strand). VCF-style: chr11-32428524-C-T. GRCh37 (hg19) VCF-style: chr11-32450070-C-T.
Other names: c.757G>A, p.Asp253Asn (NM_000378.6, NM_001407044.1, NM_001407045.1 and 4 more transcripts); c.106G>A, p.Asp36Asn (NM_001198551.2, NM_001198552.2); c.-6G>A (NM_001407051.1); c.742G>A, p.Asp248Asn (NM_024425.2); short protein forms D253N, D36N, D248N.
Identifiers: ClinVar variation 963443 (VCV000963443.11), dbSNP rs1853142313, ClinGen allele CA379963309.